The following is an entry in ClinVar:

ClinVar aggregate classification (germline): Pathogenic (1 of 4 stars; one submission).

Conditions:
Marfan syndrome (MFS). Also called: MARFAN SYNDROME, TYPE I; Marfan syndrome type 1; Marfan's syndrome; Marfan syndrome, classic; FBN1-Related Marfan Syndrome. Identifiers: Orphanet 284963, Orphanet 558, MedGen C0024796, MONDO:0007947, OMIM 154700.
Familial thoracic aortic aneurysm and aortic dissection (TAAD). Also called: Thoracic aortic aneurysms and dissections. Identifiers: Orphanet 91387, MedGen C4707243, MONDO:0019625.

Submission:

Labcorp Genetics (formerly Invitae), Labcorp
Classification: Pathogenic for Marfan syndrome; Familial thoracic aortic aneurysm and aortic dissection. Last evaluated: 2023-04-03. Review status: criteria provided, single submitter. Criteria: Invitae Variant Classification Sherloc (09022015). Collection method: clinical testing. Allele origin: germline.
Comment: For these reasons, this variant has been classified as Pathogenic. This variant is not present in population databases (gnomAD no frequency). This sequence change creates a premature translational stop signal (p.Gly397Profs*45) in the FBN1 gene. It is expected to result in an absent or disrupted protein product. Loss-of-function variants in FBN1 are known to be pathogenic (PMID: 17657824, 19293843). Algorithms developed to predict the effect of sequence changes on RNA splicing suggest that this variant may create or strengthen a splice site. This variant has not been reported in the literature in individuals affected with FBN1-related conditions.

Literature cited by the submitters: PubMed 17657824; PubMed 19293843.

NM_000138.5(FBN1):c.1188_1206del (p.Gly397fs)

Gene: FBN1 (fibrillin 1; minus strand). Cytogenetic location: 15q21.1.
Variant type: Deletion.
Coding change: c.1188_1206del on transcript NM_000138.5 (MANE Select); coding-DNA positions 1188 to 1206, 19 bases deleted (TGGGAGACCAGAATATCCT).
Protein change: p.Gly397fs; shifts the reading frame from glycine 397.
Molecular consequence: frameshift variant.
Genome position (GRCh38, 1-based): chr15:48,516,304-48,516,322, AGGATATTCTGGTCTCCCA deleted on the plus strand (TGGGAGACCAGAATATCCT on the coding strand, the reverse complement: FBN1 is on the minus strand). VCF-style (leftmost placement, unchanged base first): chr15-48516303-GAGGATATTCTGGTCTCCCA-G. GRCh37 (hg19) VCF-style: chr15-48808500-GAGGATATTCTGGTCTCCCA-G.
Other names: c.1188_1206del, p.Gly397fs (NM_001406716.1); short protein forms G397fs.
Identifiers: ClinVar variation 2945420 (VCV002945420.3), dbSNP rs2505619774, ClinGen allele CA2740096684.
Genomic context (GRCh38, chr15:48,516,303, plus strand): 5'-GTCCAGGAGGAAAGCCAGGAGGAACAGGGAGAACTGGAGGAATGGGGCCAAGGGGTGGGG[GAGGATATTCTGGTCTCCCA>G]GGAATTACCATAGGAACAGAGCACAGCTTGTTGAAATCCTCTAGAAAAACACAACAAAAC-3'